The following is an entry in ClinVar:

NM_021973.3(HAND2):c.370G>A (p.Glu124Lys)

Genes: HAND2 (heart and neural crest derivatives expressed 2; minus strand), HAND2-AS1 (HAND2 antisense RNA 1; plus strand). Cytogenetic location: 4q34.1.
Variant type: single nucleotide variant.
Coding change: c.370G>A on transcript NM_021973.3 (MANE Select); coding-DNA position 370, G replaced by A.
Protein change: p.Glu124Lys; replaces glutamic acid 124 with lysine.
Molecular consequence: missense variant.
Genome position (GRCh38, 1-based): chr4:173,528,920, C>T on the plus strand (G>A on the coding strand, the complement: HAND2 is on the minus strand). VCF-style: chr4-173528920-C-T. GRCh37 (hg19) VCF-style: chr4-174450071-C-T.
Other names: short protein forms E124K.
Identifiers: ClinVar variation 4781926 (VCV004781926.1).

ClinVar aggregate classification (germline): Uncertain significance (1 of 4 stars; one submission).

Submission:

Labcorp Genetics (formerly Invitae), Labcorp
Classification: Uncertain significance. Last evaluated: 2025-02-28. Review status: criteria provided, single submitter. Criteria: Invitae Variant Classification Sherloc (09022015). Collection method: clinical testing. Allele origin: germline.
Comment: This sequence change replaces glutamic acid, which is acidic and polar, with lysine, which is basic and polar, at codon 124 of the HAND2 protein (p.Glu124Lys). This variant is not present in population databases (gnomAD no frequency). This variant has not been reported in the literature in individuals affected with HAND2-related conditions. An algorithm developed to predict the effect of missense changes on protein structure and function (PolyPhen-2) suggests that this variant is likely to be tolerated. In summary, the available evidence is currently insufficient to determine the role of this variant in disease. Therefore, it has been classified as a Variant of Uncertain Significance.